The following is an entry in ClinVar:

ClinVar aggregate classification (germline): Benign/Likely benign. Review status: criteria provided, multiple submitters, no conflicts (2 of 4 stars). 12 submissions from 11 submitters: Benign (11); Likely benign (1). Last evaluated 2026-02-04.

Conditions:
Symmetrical dyschromatosis of extremities (DSH). Also called: Dyschromatosis symmetrica hereditaria; DYSCHROMATOSIS SYMMETRICA HEREDITARIA 1; RETICULATE ACROPIGMENTATION OF DOHI; SYMMETRIC DYSCHROMATOSIS OF THE EXTREMITIES. Identifiers: Orphanet 41, MedGen C0406775, MONDO:0007483, OMIM 127400.
Aicardi-Goutieres syndrome 6 (AGS6). Identifiers: Orphanet 51, MedGen C3539013, MONDO:0014007, OMIM 615010.

Allele frequency attached by ClinVar (database versions not stated): ESP Exome Variant Server 0.60787; 1000 Genomes Project 30x 0.61618; gnomAD 0.61729 and 0.62514; 1000 Genomes Project 0.62260; TOPMed 0.62317; ExAC 0.69561; gnomAD exomes 0.69941 and 0.70279.
gnomAD v4.1: 1,116,393 of 1,613,916 alleles (69%); highest among the groups gnomAD compares: Admixed American, 79%; 390,071 homozygotes.

Submissions (12):

Labcorp Genetics (formerly Invitae), Labcorp
Classification: Benign for Aicardi-Goutieres syndrome 6; Symmetrical dyschromatosis of extremities. Last evaluated: 2026-02-04. Review status: criteria provided, single submitter. Criteria: Invitae Variant Classification Sherloc (09022015). Collection method: clinical testing. Allele origin: germline.

Women's Health and Genetics/Laboratory Corporation of America, LabCorp
Classification: Benign. Last evaluated: 2026-01-21. Review status: criteria provided, single submitter. Criteria: LabCorp Variant Classification Summary - May 2015. Collection method: clinical testing. Allele origin: germline.

Blueprint Genetics
Classification: Likely benign. Last evaluated: 2024-11-26. Review status: criteria provided, single submitter. Criteria: ACMG Guidelines, 2015. Collection method: clinical testing. Allele origin: germline.

Unidad de Genómica Garrahan, Hospital de Pediatría Garrahan
Classification: Benign. Last evaluated: 2023-11-12. Review status: criteria provided, single submitter. Criteria: ACMG Guidelines, 2015. Collection method: clinical testing. Allele origin: germline. Affected: no. Observed: 86 variant alleles.
Comment: This variant is classified as Benign based on local population frequency. This variant was detected in 90% of patients studied by a panel of primary immunodeficiencies. Number of patients: 86. Only high quality variants are reported.

Mayo Clinic Laboratories, Mayo Clinic
Classification: Benign. Last evaluated: 2023-08-11. Review status: criteria provided, single submitter. Criteria: ACMG Guidelines, 2015. Collection method: clinical testing. Allele origin: germline. Observed: 406 variant alleles.
Comment: BA1, BS2, BP4

Genome-Nilou Lab
Classification: Benign for Aicardi-Goutieres syndrome 6. Last evaluated: 2021-07-14. Review status: criteria provided, single submitter. Criteria: ACMG Guidelines, 2015. Collection method: clinical testing. Allele origin: germline. Affected: no.

Genome-Nilou Lab
Classification: Benign for Symmetrical dyschromatosis of extremities. Last evaluated: 2021-07-14. Review status: criteria provided, single submitter. Criteria: ACMG Guidelines, 2015. Collection method: clinical testing. Allele origin: germline. Affected: no.

GeneDx
Classification: Benign. Last evaluated: 2018-08-07. Review status: criteria provided, single submitter. Criteria: GeneDx Variant Classification Process June 2021. Collection method: clinical testing. Allele origin: germline. Affected: yes.
Comment: This variant is associated with the following publications: (PMID: 25098560, 31423758)

Illumina Laboratory Services, Illumina
Classification: Benign for Symmetrical dyschromatosis of extremities. Last evaluated: 2018-01-13. Review status: criteria provided, single submitter. Criteria: ICSL Variant Classification Criteria 13 December 2019. Collection method: clinical testing. Allele origin: germline.
Comment: This variant was observed in the ICSL laboratory as part of a predisposition screen in an ostensibly healthy population. It had not been previously curated by ICSL or reported in the Human Gene Mutation Database (HGMD: prior to June 1st, 2018), and was therefore a candidate for classification through an automated scoring system. Utilizing variant allele frequency, disease prevalence and penetrance estimates, and inheritance mode, an automated score was calculated to assess if this variant is too frequent to cause the disease. Based on the score and internal cut-off values, a variant classified as benign is not then subjected to further curation. The score for this variant resulted in a classification of benign for this disease.

Eurofins Ntd Llc (ga)
Classification: Benign. Last evaluated: 2015-05-21. Review status: criteria provided, single submitter. Criteria: EGL Classification Definitions 2015. Collection method: clinical testing. Allele origin: germline. Observed: 1 variant allele, 1 heterozygote.

Breakthrough Genomics
Classification: Benign. Review status: criteria provided, single submitter. Criteria: ACMG Guidelines, 2015. Collection method: not provided. Allele origin: germline. Inheritance: Autosomal recessive inheritance. Affected: yes.

PreventionGenetics, part of Exact Sciences
Classification: Benign. Review status: criteria provided, single submitter. Criteria: ACMG Guidelines, 2015. Collection method: clinical testing. Allele origin: germline.

NM_001111.5(ADAR):c.1151A>G (p.Lys384Arg)

Gene: ADAR (adenosine deaminase RNA specific; minus strand). Cytogenetic location: 1q21.3.
Variant type: single nucleotide variant.
Coding change: c.1151A>G on transcript NM_001111.5 (MANE Select); coding-DNA position 1151, A replaced by G.
Protein change: p.Lys384Arg; replaces lysine 384 with arginine.
Molecular consequence: missense variant.
Genome position (GRCh38, 1-based): chr1:154,601,491, T>C on the plus strand (A>G on the coding strand, the complement: ADAR is on the minus strand). VCF-style: chr1-154601491-T-C. GRCh37 (hg19) VCF-style: chr1-154573967-T-C.
Other names: c.1151A>G, p.Lys384Arg (LRG_1212t1, NM_015840.4, NM_015841.4); c.266A>G, p.Lys89Arg (NM_001025107.3, NM_001193495.2, NM_001365046.1 and 3 more transcripts); c.1178A>G, p.Lys393Arg (NM_001365045.1); short protein forms K89R, K384R, K393R.
Identifiers: ClinVar variation 195112 (VCV000195112.28), dbSNP rs2229857, ClinGen allele CA201568.